The following is an entry in ClinVar:

ClinVar aggregate classification (germline): Likely benign (0 of 4 stars; one submission).

Conditions:
MLPH-related disorder. Also called: MLPH-related condition.

Allele frequency attached by ClinVar (database versions not stated): gnomAD exomes below 0.00001.
gnomAD v4.1: 5 of 1,614,184 alleles (0.00031%); highest among the groups gnomAD compares: Non-Finnish European, 0.00042%; no homozygotes.

Submission:

PreventionGenetics, part of Exact Sciences
Classification: Likely benign for MLPH-related condition. Last evaluated: 2023-08-09. Review status: no assertion criteria provided. Collection method: clinical testing. Allele origin: germline.
Comment: This variant is classified as likely benign based on ACMG/AMP sequence variant interpretation guidelines (Richards et al. 2015 PMID: 25741868, with internal and published modifications).

NM_024101.7(MLPH):c.738G>A (p.Glu246=)

Gene: MLPH (melanophilin; plus strand). Cytogenetic location: 2q37.3.
Variant type: single nucleotide variant.
Coding change: c.738G>A on transcript NM_024101.7 (MANE Select); coding-DNA position 738, G replaced by A.
Protein change: p.Glu246=; no amino-acid change (glutamic acid 246 retained).
Molecular consequence: synonymous variant. On other transcripts: non-coding transcript variant (1), intron variant (1).
Genome position (GRCh38, 1-based): chr2:237,525,663, G>A. VCF-style: chr2-237525663-G-A. GRCh37 (hg19) VCF-style: chr2-238434306-G-A.
Other names: c.738G>A, p.Glu246= (NM_001042467.3); c.618G>A, p.Glu206= (NM_001281473.2); c.675+5634G>A (NM_001281474.2).
Identifiers: ClinVar variation 3055459 (VCV003055459.2), dbSNP rs2469723486, ClinGen allele CA351198287.